The following is an entry in ClinVar:

NM_001395517.1(CCDC30):c.2748A>C (p.Gly916=)

Gene: CCDC30 (coiled-coil domain containing 30; plus strand). Cytogenetic location: 1p34.2.
Variant type: single nucleotide variant.
Coding change: c.2748A>C on transcript NM_001395517.1 (MANE Select); coding-DNA position 2748, A replaced by C.
Protein change: p.Gly916=; no amino-acid change (glycine 916 retained).
Molecular consequence: synonymous variant. On other transcripts: 3 prime UTR variant (1).
Genome position (GRCh38, 1-based): chr1:42,653,959, A>C. VCF-style: chr1-42653959-A-C. GRCh37 (hg19) VCF-style: chr1-43119630-A-C.
Other names: c.2283A>C, p.Gly761= (NM_001080850.4); c.1377A>C, p.Gly459= (NM_001355224.2, NM_001355226.2); c.*437A>C (NM_001355227.2); c.2190A>C, p.Gly730= (NM_001395379.1); c.2064A>C, p.Gly688= (NM_001395382.1, NM_001395383.1, NM_001395384.1 and 1 more transcripts).
Identifiers: ClinVar variation 2638736 (VCV002638736.24), dbSNP rs116574353, ClinGen allele CA800668.

ClinVar aggregate classification (germline): Likely benign (1 of 4 stars; one submission).

Allele frequency attached by ClinVar (database versions not stated): 1000 Genomes Project 30x 0.00078; 1000 Genomes Project 0.00080; TOPMed 0.00177; ESP Exome Variant Server 0.00208; ExAC 0.00252; gnomAD exomes 0.00324.
gnomAD v4.1: 5,041 of 1,614,156 alleles (0.31%); highest among the groups gnomAD compares: Middle Eastern, 1.2%; 15 homozygotes.

Submission:

CeGaT Center for Human Genetics Tuebingen
Classification: Likely benign. Last evaluated: 2022-09-01. Review status: criteria provided, single submitter. Criteria: CeGaT Center For Human Genetics Tuebingen Variant Classification Criteria Version 2. Collection method: clinical testing. Allele origin: germline. Affected: yes. Observed: 1 variant allele.
Comment: CCDC30: BP4, BP7